The following is an entry in ClinVar:

NM_001164508.2(NEB):c.19294C>T (p.Gln6432Ter)

Gene: NEB (nebulin; minus strand). Cytogenetic location: 2q23.3.
Variant type: single nucleotide variant.
Coding change: c.19294C>T on transcript NM_001164508.2 (MANE Select); coding-DNA position 19294, C replaced by T.
Protein change: p.Gln6432Ter; replaces glutamine 6432 with a stop codon.
Molecular consequence: nonsense.
Genome position (GRCh38, 1-based): chr2:151,560,612, G>A on the plus strand (C>T on the coding strand, the complement: NEB is on the minus strand). VCF-style: chr2-151560612-G-A. GRCh37 (hg19) VCF-style: chr2-152417126-G-A.
Other names: c.19294C>T (NM_001271208.1); c.19294C>T, p.Gln6432Ter (NM_001164507.2, NM_001271208.2); c.14191C>T, p.Gln4731Ter (NM_004543.5); short protein forms Q4731*, Q6432*.
Identifiers: ClinVar variation 1401769 (VCV001401769.9), dbSNP rs2153700128, ClinGen allele CA348793753.

ClinVar aggregate classification (germline): Pathogenic/Likely pathogenic. Review status: criteria provided, multiple submitters, no conflicts (2 of 4 stars). 3 submissions from 3 submitters: Pathogenic (1); Likely pathogenic (2). Last evaluated 2025-09-07.

Conditions:
Arthrogryposis multiplex congenita 6. Identifiers: MedGen C5543431, MONDO:0030281, OMIM 619334.
Nemaline myopathy 2 (NEM2). Also called: Nemaline myopathy 2, autosomal recessive. Identifiers: MedGen C1850569, MONDO:0009725, OMIM 256030.

Submissions (3):

Natera, Inc.
Classification: Likely pathogenic for Nemaline myopathy type 2. Last evaluated: 2025-09-07. Review status: criteria provided, single submitter. Criteria: Natera Variant Classification Schema (03/2026). Collection method: clinical testing. Allele origin: germline.
Comment: The c.19294C>T variant in NEB is a nonsense variant predicted to introduce a stop codon at amino acid 6432. This variant is expected to result in nonsense mediated decay, truncation, or a dysfunctional protein product. This variant is rare in the general population with a frequency below the threshold expected for the associated phenotype(s). Given the available evidence, this variant is classified as Likely Pathogenic.

Baylor Genetics
Classification: Likely pathogenic for Arthrogryposis multiplex congenita 6. Last evaluated: 2024-03-03. Review status: criteria provided, single submitter. Criteria: ACMG Guidelines, 2015. Collection method: clinical testing. Allele origin: unknown.

Labcorp Genetics (formerly Invitae), Labcorp
Classification: Pathogenic for Nemaline myopathy 2. Last evaluated: 2023-11-24. Review status: criteria provided, single submitter. Criteria: Invitae Variant Classification Sherloc (09022015). Collection method: clinical testing. Allele origin: germline.
Comment: This sequence change creates a premature translational stop signal (p.Gln6432*) in the NEB gene. It is expected to result in an absent or disrupted protein product. Loss-of-function variants in NEB are known to be pathogenic (PMID: 25205138). This variant is not present in population databases (gnomAD no frequency). This variant has not been reported in the literature in individuals affected with NEB-related conditions. ClinVar contains an entry for this variant (Variation ID: 1401769). For these reasons, this variant has been classified as Pathogenic.

Literature cited by the submitters: PubMed 25205138 (cited by Labcorp Genetics (formerly Invitae), Labcorp).